The following is an entry in ClinVar:

NM_000064.4(C3):c.3391-4T>C

Gene: C3 (complement C3; minus strand). Cytogenetic location: 19p13.3.
Variant type: single nucleotide variant.
Coding change: c.3391-4T>C on transcript NM_000064.4 (MANE Select); 4 bases into the intron before coding-DNA position 3391, T replaced by C.
Molecular consequence: intron variant.
Genome position (GRCh38, 1-based): chr19:6,690,731, A>G on the plus strand (T>C on the coding strand, the complement: C3 is on the minus strand). VCF-style: chr19-6690731-A-G. GRCh37 (hg19) VCF-style: chr19-6690742-A-G.
Other names: p.?.
Identifiers: ClinVar variation 894714 (VCV000894714.17), dbSNP rs11569510, ClinGen allele CA9128743.

ClinVar aggregate classification (germline): Benign/Likely benign. Review status: criteria provided, multiple submitters, no conflicts (2 of 4 stars). 9 submissions from 7 submitters: Benign (8); Likely benign (1). Last evaluated 2026-02-04.

Conditions:
Age related macular degeneration 9. Identifiers: MedGen C1969651, MONDO:0012659, OMIM 611378.
Atypical hemolytic-uremic syndrome with C3 anomaly. Also called: AHUS, SUSCEPTIBILITY TO, 5. Identifiers: Orphanet 2134, MedGen C2752037, MONDO:0013043, OMIM 612925.
Complement component 3 deficiency. Identifiers: Orphanet 280133, MedGen C3151071, MONDO:0013417, OMIM 613779.

Allele frequency attached by ClinVar (database versions not stated): 1000 Genomes Project 30x 0.07792; ESP Exome Variant Server 0.07973; 1000 Genomes Project 0.08007; TOPMed 0.09911; gnomAD 0.10490 and 0.10612; gnomAD exomes 0.11242 and 0.12132; ExAC 0.11307.
gnomAD v4.1: 192,969 of 1,612,048 alleles (12%); highest among the groups gnomAD compares: Non-Finnish European, 13%; 12,384 homozygotes.

Submissions (9):

Labcorp Genetics (formerly Invitae), Labcorp
Classification: Benign. Last evaluated: 2026-02-04. Review status: criteria provided, single submitter. Criteria: Invitae Variant Classification Sherloc (09022015). Collection method: clinical testing. Allele origin: germline.

Women's Health and Genetics/Laboratory Corporation of America, LabCorp
Classification: Benign. Last evaluated: 2026-01-21. Review status: criteria provided, single submitter. Criteria: LabCorp Variant Classification Summary - May 2015. Collection method: clinical testing. Allele origin: germline.

Blueprint Genetics
Classification: Likely benign. Last evaluated: 2024-11-28. Review status: criteria provided, single submitter. Criteria: ACMG Guidelines, 2015. Collection method: clinical testing. Allele origin: germline.

Mayo Clinic Laboratories, Mayo Clinic
Classification: Benign. Last evaluated: 2022-03-10. Review status: criteria provided, single submitter. Criteria: ACMG Guidelines, 2015. Collection method: clinical testing. Allele origin: germline. Observed: 582 variant alleles.

GeneDx
Classification: Benign. Last evaluated: 2021-06-09. Review status: criteria provided, single submitter. Criteria: GeneDx Variant Classification Process June 2021. Collection method: clinical testing. Allele origin: germline. Affected: yes.

Illumina Laboratory Services, Illumina
Classification: Benign for Age related macular degeneration 9. Last evaluated: 2018-01-13. Review status: criteria provided, single submitter. Criteria: ICSL Variant Classification Criteria 13 December 2019. Collection method: clinical testing. Allele origin: germline.
Comment: This variant was observed in the ICSL laboratory as part of a predisposition screen in an ostensibly healthy population. It had not been previously curated by ICSL or reported in the Human Gene Mutation Database (HGMD: prior to June 1st, 2018), and was therefore a candidate for classification through an automated scoring system. Utilizing variant allele frequency, disease prevalence and penetrance estimates, and inheritance mode, an automated score was calculated to assess if this variant is too frequent to cause the disease. Based on the score and internal cut-off values, a variant classified as benign is not then subjected to further curation. The score for this variant resulted in a classification of benign for this disease.

Illumina Laboratory Services, Illumina
Classification: Benign for Complement component 3 deficiency. Last evaluated: 2018-01-13. Review status: criteria provided, single submitter. Criteria: ICSL Variant Classification Criteria 13 December 2019. Collection method: clinical testing. Allele origin: germline.
Comment: the same text as in the submission from Illumina Laboratory Services, Illumina above.

Illumina Laboratory Services, Illumina
Classification: Benign for Atypical hemolytic-uremic syndrome with C3 anomaly. Last evaluated: 2018-01-13. Review status: criteria provided, single submitter. Criteria: ICSL Variant Classification Criteria 13 December 2019. Collection method: clinical testing. Allele origin: germline.
Comment: the same text as in the submission from Illumina Laboratory Services, Illumina above.

Breakthrough Genomics
Classification: Benign. Review status: criteria provided, single submitter. Criteria: ACMG Guidelines, 2015. Collection method: not provided. Allele origin: germline. Inheritance: Autosomal recessive inheritance. Affected: yes.